The following is an entry in ClinVar:

ClinVar aggregate classification (germline): Uncertain significance (1 of 4 stars; one submission).

Allele frequency attached by ClinVar (database versions not stated): gnomAD 0.00002 and 0.00003.
gnomAD v4.1: 47 of 1,613,432 alleles (0.0029%); highest among the groups gnomAD compares: South Asian, 0.04%; no homozygotes.

Submission:

Labcorp Genetics (formerly Invitae), Labcorp
Classification: Uncertain significance. Last evaluated: 2022-06-08. Review status: criteria provided, single submitter. Criteria: Invitae Variant Classification Sherloc (09022015). Collection method: clinical testing. Allele origin: germline.
Comment: This sequence change falls in intron 18 of the TTC37 gene. It does not directly change the encoded amino acid sequence of the TTC37 protein. It affects a nucleotide within the consensus splice site. This variant is present in population databases (rs765293509, gnomAD 0.03%). This variant has not been reported in the literature in individuals affected with TTC37-related conditions. Variants that disrupt the consensus splice site are a relatively common cause of aberrant splicing (PMID: 17576681, 9536098). Algorithms developed to predict the effect of sequence changes on RNA splicing suggest that this variant is not likely to affect RNA splicing. In summary, the available evidence is currently insufficient to determine the role of this variant in disease. Therefore, it has been classified as a Variant of Uncertain Significance.

Literature cited by the submitters: PubMed 17576681; PubMed 9536098.

NM_014639.4(SKIC3):c.1757+6G>T

Gene: SKIC3 (SKI3 subunit of superkiller complex; minus strand). Cytogenetic location: 5q15.
Variant type: single nucleotide variant.
Coding change: c.1757+6G>T on transcript NM_014639.4 (MANE Select); 6 bases into the intron after coding-DNA position 1757, G replaced by T.
Molecular consequence: intron variant.
Genome position (GRCh38, 1-based): chr5:95,523,196, C>A on the plus strand (G>T on the coding strand, the complement: SKIC3 is on the minus strand). VCF-style: chr5-95523196-C-A. GRCh37 (hg19) VCF-style: chr5-94858900-C-A.
Identifiers: ClinVar variation 1355584 (VCV001355584.4), dbSNP rs765293509, ClinGen allele CA3347257.
Genomic context (GRCh38, chr5:95,523,196, plus strand): 5'-AAAATGCTTAATTTAAGGAACCGTTATGCTTGTCTAACATAGTTTAAATACAATAAGGTG[C>A]CTTACTCAGCCACTGCTTGAGAATGCTGACCAGCTTTCAAATAGTATAGTCCTCGCCTAA-3'